The following is an entry in ClinVar:

NM_001164508.2(NEB):c.11612A>G (p.Lys3871Arg)

Gene: NEB (nebulin; minus strand). Cytogenetic location: 2q23.3.
Variant type: single nucleotide variant.
Coding change: c.11612A>G on transcript NM_001164508.2 (MANE Select); coding-DNA position 11612, A replaced by G.
Protein change: p.Lys3871Arg; replaces lysine 3871 with arginine.
Molecular consequence: missense variant.
Genome position (GRCh38, 1-based): chr2:151,612,379, T>C on the plus strand (A>G on the coding strand, the complement: NEB is on the minus strand). VCF-style: chr2-151612379-T-C. GRCh37 (hg19) VCF-style: chr2-152468893-T-C.
Other names: c.11612A>G, p.Lys3871Arg (NM_001164507.2, NM_001271208.2); c.10883A>G, p.Lys3628Arg (NM_004543.5); c.10883A>G (NM_004543.4); short protein forms K3628R, K3871R.
Identifiers: ClinVar variation 1327274 (VCV001327274.7), dbSNP rs761955993, ClinGen allele CA1908709.

ClinVar aggregate classification (germline): Uncertain significance. Review status: criteria provided, multiple submitters, no conflicts (2 of 4 stars). 3 submissions from 3 submitters: Uncertain significance (3). Last evaluated 2024-01-09.

Conditions:
Inborn genetic diseases. Identifiers: MedGen C0950123, MeSH D030342.
Nemaline myopathy 2 (NEM2). Also called: Nemaline myopathy 2, autosomal recessive. Identifiers: MedGen C1850569, MONDO:0009725, OMIM 256030.

Allele frequency attached by ClinVar (database versions not stated): ExAC 0.00001; gnomAD exomes 0.00001; TOPMed 0.00003; gnomAD 0.00004 and 0.00005.
gnomAD v4.1: 14 of 1,613,460 alleles (0.00087%); highest among the groups gnomAD compares: African/African-American, 0.0067%; no homozygotes.

Submissions (3):

Ambry Genetics
Classification: Uncertain significance for Inborn genetic diseases. Last evaluated: 2024-01-09. Review status: criteria provided, single submitter. Criteria: Ambry Variant Classification Scheme 2023. Collection method: clinical testing. Allele origin: germline.

Labcorp Genetics (formerly Invitae), Labcorp
Classification: Uncertain significance for Nemaline myopathy 2. Last evaluated: 2021-08-20. Review status: criteria provided, single submitter. Criteria: Invitae Variant Classification Sherloc (09022015). Collection method: clinical testing. Allele origin: germline.
Comment: This sequence change replaces lysine with arginine at codon 3871 of the NEB protein (p.Lys3871Arg). The lysine residue is moderately conserved and there is a small physicochemical difference between lysine and arginine. This variant is present in population databases (rs761955993, ExAC 0.002%). This variant has not been reported in the literature in individuals affected with NEB-related conditions. Algorithms developed to predict the effect of missense changes on protein structure and function are either unavailable or do not agree on the potential impact of this missense change (SIFT: "Deleterious"; PolyPhen-2: "Not Available"; Align-GVGD: "Class C0"). Algorithms developed to predict the effect of sequence changes on RNA splicing suggest that this variant may create or strengthen a splice site. In summary, the available evidence is currently insufficient to determine the role of this variant in disease. Therefore, it has been classified as a Variant of Uncertain Significance.

GeneDx
Classification: Uncertain significance. Last evaluated: 2021-04-16. Review status: criteria provided, single submitter. Criteria: GeneDx Variant Classification Process June 2021. Collection method: clinical testing. Allele origin: germline. Affected: yes.
Comment: Has not been previously published as pathogenic or benign to our knowledge; Not observed at a significant frequency in large population cohorts (Lek et al., 2016); In silico analysis supports that this missense variant does not alter protein structure/function